The following is an entry in ClinVar:

ClinVar aggregate classification (germline): Pathogenic/Likely pathogenic. Review status: criteria provided, multiple submitters, no conflicts (2 of 4 stars). 7 submissions from 7 submitters: Pathogenic (2); Likely pathogenic (5). Last evaluated 2026-01-07.

Conditions:
ALPL-related disorder. Also called: ALPL-related disorders; ALPL-related condition.
Hypophosphatasia. Also called: Phosphoethanol-aminuria. Identifiers: Orphanet 436, MedGen C0020630, MeSH D007014, MONDO:0018570.
Adult hypophosphatasia. Identifiers: Orphanet 247676, Orphanet 436, MedGen C0268413, MONDO:1010154, OMIM 146300, MONDO:0007798.

Allele frequency attached by ClinVar (database versions not stated): gnomAD exomes 0.00001; ExAC 0.00002.
gnomAD v4.1: 9 of 1,614,168 alleles (0.00056%); highest among the groups gnomAD compares: Non-Finnish European, 0.00068%; no homozygotes.

Submissions (7):

Natera, Inc.
Classification: Likely pathogenic for Hypophosphatasia. Last evaluated: 2026-01-07. Review status: criteria provided, single submitter. Criteria: Natera Variant Classification Schema (03/2026). Collection method: clinical testing. Allele origin: germline.
Comment: The c.1166C>A variant in ALPL is a missense variant predicted to cause substitution of threonine to asparagine at amino acid 389. This variant is rare in the general population with a frequency below the threshold expected for the associated phenotype(s). This variant has been observed in one or more individuals affected with the associated recessive disease, as either homozygous or compound heterozygous with a second variant (PMID: 24022022). Functional studies show that this variant may disrupt protein function (PMID: 24022022). Computational prediction algorithms indicate this variant is likely to affect gene or protein function. Given the available evidence, this variant is classified as Likely Pathogenic.

Genomenon, Inc
Classification: Pathogenic for Hypophosphatasia. Last evaluated: 2025-08-29. Review status: criteria provided, single submitter. Criteria: Genomenon Sequence Variant Interpretation Standards. Collection method: curation. Allele origin: germline. Affected: yes.
Comment: ALPL p.Thr389Asn (c.1166C>A) is a missense variant that changes the amino acid at residue 389 from Threonine to Asparagine. This variant has been observed in at least one proband affected with hypophosphatasia (PMID:24022022;27998428). At least one functional study has demonstrated a substantial alteration in protein function relative to the wild-type (PMID:24022022). It is absent or not present at a significant frequency in gnomAD. In silico models agree that this variant is possibly or probably damaging. In conclusion, we classify ALPL p.Thr389Asn (c.1166C>A) as a pathogenic variant.

Labcorp Genetics (formerly Invitae), Labcorp
Classification: Pathogenic. Last evaluated: 2025-05-27. Review status: criteria provided, single submitter. Criteria: Invitae Variant Classification Sherloc (09022015). Collection method: clinical testing. Allele origin: germline.
Comment: This sequence change replaces threonine, which is neutral and polar, with asparagine, which is neutral and polar, at codon 389 of the ALPL protein (p.Thr389Asn). This variant is present in population databases (rs746390776, gnomAD 0.002%). This missense change has been observed in individual(s) with hypophosphatasia (PMID: 24022022, 27998428). ClinVar contains an entry for this variant (Variation ID: 1224321). Invitae Evidence Modeling of protein sequence and biophysical properties (such as structural, functional, and spatial information, amino acid conservation, physicochemical variation, residue mobility, and thermodynamic stability) indicates that this missense variant is expected to disrupt ALPL protein function with a positive predictive value of 95%. Experimental studies have shown that this missense change affects ALPL function (PMID: 24022022). This variant disrupts the p.Thr389 amino acid residue in ALPL. Other variant(s) that disrupt this residue have been determined to be pathogenic (PMID: 28401263; internal data). This suggests that this residue is clinically significant, and that variants that disrupt this residue are likely to be disease-causing. For these reasons, this variant has been classified as Pathogenic.

Blueprint Genetics
Classification: Likely pathogenic for ALPL-related disorders. Last evaluated: 2023-03-22. Review status: criteria provided, single submitter. Criteria: ACMG Guidelines, 2015. Collection method: clinical testing. Allele origin: germline. Affected: yes. Observed: 2 variant alleles.

Baylor Genetics
Classification: Likely pathogenic for Adult hypophosphatasia. Last evaluated: 2023-01-22. Review status: criteria provided, single submitter. Criteria: ACMG Guidelines, 2015. Collection method: clinical testing. Allele origin: unknown.

Clinical Genetics Laboratory, Skane University Hospital Lund
Classification: Likely pathogenic. Last evaluated: 2022-07-13. Review status: criteria provided, single submitter. Criteria: ACMG Guidelines, 2015. Collection method: clinical testing. Allele origin: germline. Affected: yes.

Women's Health and Genetics/Laboratory Corporation of America, LabCorp
Classification: Likely pathogenic for Hypophosphatasia. Last evaluated: 2022-06-14. Review status: criteria provided, single submitter. Criteria: LabCorp Variant Classification Summary - May 2015. Collection method: clinical testing. Allele origin: germline.
Comment: Variant summary: ALPL c.1166C>A (p.Thr389Asn) results in a non-conservative amino acid change in the encoded protein sequence. Four of five in-silico tools predict a damaging effect of the variant on protein function. The variant allele was found at a frequency of 8e-06 in 251472 control chromosomes. c.1166C>A has been reported in the literature as a compound heterozygous genotype in individuals affected with Hypophosphatasia (example, Yang_2013, Bai_2016). These data indicate that the variant may be associated with disease. At least one publication reports experimental evidence evaluating an impact on protein function (Yang_2013). The most pronounced variant effect results in decreased protein expression and abrogation of normal ALP activity in-vitro. Two clinical diagnostic laboratories have submitted clinical-significance assessments for this variant to ClinVar after 2014 without evidence for independent evaluation. All laboratories classified the variant as likely pathogenic. Based on the evidence outlined above, the variant was classified as likely pathogenic.

Literature cited by the submitters: PubMed 24022022 (cited by 4 submitters); PubMed 27998428 (cited by 3 submitters); PubMed 28401263 (cited by Labcorp Genetics (formerly Invitae), Labcorp); PubMed 25023282 (cited by Women's Health and Genetics/Laboratory Corporation of America, LabCorp); PubMed 33827627 (cited by Women's Health and Genetics/Laboratory Corporation of America, LabCorp).

NM_000478.6(ALPL):c.1166C>A (p.Thr389Asn)

Gene: ALPL (alkaline phosphatase, biomineralization associated; plus strand). Cytogenetic location: 1p36.12.
Variant type: single nucleotide variant.
Coding change: c.1166C>A on transcript NM_000478.6 (MANE Select); coding-DNA position 1166, C replaced by A.
Protein change: p.Thr389Asn; replaces threonine 389 with asparagine.
Molecular consequence: missense variant.
Genome position (GRCh38, 1-based): chr1:21,575,901, C>A. VCF-style: chr1-21575901-C-A. GRCh37 (hg19) VCF-style: chr1-21902394-C-A.
Other names: c.1001C>A, p.Thr334Asn (NM_001127501.4); c.935C>A, p.Thr312Asn (NM_001177520.3); c.1166C>A, p.Thr389Asn (NM_001369803.2, NM_001369804.2, NM_001369805.2); short protein forms T312N, T334N, T389N.
Identifiers: ClinVar variation 1224321 (VCV001224321.13), dbSNP rs746390776, ClinGen allele CA666745.